The following is an entry in ClinVar:

NM_001267550.2(TTN):c.91813T>C (p.Ser30605Pro)

Genes: TTN (titin; minus strand), TTN-AS1 (TTN antisense RNA 1; plus strand). Cytogenetic location: 2q31.2.
Variant type: single nucleotide variant.
Coding change: c.91813T>C on transcript NM_001267550.2 (MANE Select); coding-DNA position 91813, T replaced by C.
Protein change: p.Ser30605Pro; replaces serine 30605 with proline.
Molecular consequence: missense variant.
Genome position (GRCh38, 1-based): chr2:178,550,025, A>G on the plus strand (T>C on the coding strand, the complement: TTN is on the minus strand). VCF-style: chr2-178550025-A-G. GRCh37 (hg19) VCF-style: chr2-179414752-A-G.
Other names: c.86890T>C, p.Ser28964Pro (NM_001256850.1); c.64618T>C, p.Ser21540Pro (NM_003319.4); c.84109T>C, p.Ser28037Pro (NM_133378.4); c.64993T>C, p.Ser21665Pro (NM_133432.3); c.65194T>C, p.Ser21732Pro (NM_133437.4); short protein forms S21540P, S30605P, S28964P, S28037P, S21665P, S21732P.
Identifiers: ClinVar variation 518966 (VCV000518966.5), dbSNP rs984360776, ClinGen allele CA349496947.

ClinVar aggregate classification (germline): Uncertain significance (1 of 4 stars; one submission).

Conditions:
Cardiovascular phenotype. Identifiers: MedGen CN230736.

Allele frequency attached by ClinVar (database versions not stated): TOPMed 0.00001.
gnomAD v4.1: 1 of 1,611,264 alleles (0.000062%); highest among the groups gnomAD compares: South Asian, 0.0011%; no homozygotes.

Submission:

Ambry Genetics
Classification: Uncertain significance for Cardiovascular phenotype. Last evaluated: 2017-01-05. Review status: criteria provided, single submitter. Criteria: Ambry Variant Classification Scheme 2023. Collection method: clinical testing. Allele origin: germline.
Comment: The p.S21540P variant (also known as c.64618T>C), located in coding exon 164 of the TTN gene, results from a T to C substitution at nucleotide position 64618. The serine at codon 21540 is replaced by proline, an amino acid with similar properties, and is located in the A-band region of the N2-B isoform of the titin protein. This amino acid position is highly conserved in available vertebrate species. In addition, the in silico prediction for this alteration is inconclusive. Since supporting evidence is limited at this time, the clinical significance of this alteration remains unclear.